The following is an entry in ClinVar:

ClinVar aggregate classification (germline): Uncertain significance (1 of 4 stars; one submission).

Submission:

GeneDx
Classification: Uncertain significance. Last evaluated: 2019-09-20. Review status: criteria provided, single submitter. Criteria: GeneDx Variant Classification Process June 2021. Collection method: clinical testing. Allele origin: germline. Affected: yes.
Comment: Nonsense variant predicted to result in protein truncation or nonsense mediated decay in a gene for which loss-of-function is a known mechanism of disease; Not observed in large population cohorts (Lek et al., 2016); Has not been previously published as pathogenic or benign to our knowledge

NM_014991.6(WDFY3):c.7200dup (p.Glu2401Ter)

Gene: WDFY3 (WD repeat and FYVE domain containing 3; minus strand). Cytogenetic location: 4q21.23.
Variant type: Duplication.
Coding change: c.7200dup on transcript NM_014991.6 (MANE Select); coding-DNA position 7200, one base duplicated (T; older notation c.7200dupT).
Protein change: p.Glu2401Ter; replaces glutamic acid 2401 with a stop codon.
Molecular consequence: nonsense.
Genome position (GRCh38, 1-based): chr4:84,733,403, A duplicated on the plus strand (T on the coding strand, the reverse complement: WDFY3 is on the minus strand). VCF-style (leftmost placement, unchanged base first): chr4-84733402-C-CA. GRCh37 (hg19) VCF-style: chr4-85654555-C-CA.
Other names: short protein forms E2401*.
Identifiers: ClinVar variation 1308847 (VCV001308847.2), dbSNP rs2149172053, ClinGen allele CA2573052365.
Genomic context (GRCh38, chr4:84,733,402, plus strand): 5'-TTGAAAGAGCCATTGTGATCATTGAATTCTGCATACTCACCGCCACATTTGTCTCTTGCT[C>CA]AGTTTCTGGCACGTAAGGGTAATGGTTATAAAACATATCATTTCGCACCATCTTTTTCCT-3'